The following is an entry in ClinVar:

ClinVar aggregate classification (germline): Uncertain significance. Review status: criteria provided, multiple submitters, no conflicts (2 of 4 stars). 3 submissions from 3 submitters: Uncertain significance (3). Last evaluated 2024-09-04.

Conditions:
Retinal dystrophy. Also called: Inherited retinal dystrophy. Identifiers: Orphanet 71862, MedGen C0854723, MeSH D058499, MONDO:0019118, HP:0000556.
Congenital sideroblastic anemia-B-cell immunodeficiency-periodic fever-developmental delay syndrome. Also called: Sideroblastic anemia with B-cell immunodeficiency, periodic fevers, and developmental delay. Identifiers: Orphanet 369861, MedGen C4015172, MONDO:0014487, OMIM 616084.

Allele frequency attached by ClinVar (database versions not stated): ExAC 0.00001.
gnomAD v4.1: 18 of 1,612,762 alleles (0.0011%); highest among the groups gnomAD compares: Middle Eastern, 0.017%; no homozygotes.

Submissions (3):

Revvity Omics, Revvity
Classification: Uncertain significance. Last evaluated: 2024-09-04. Review status: criteria provided, single submitter. Criteria: ACMG Guidelines, 2015. Collection method: clinical testing. Allele origin: germline.

Dept Of Ophthalmology, Nagoya University
Classification: Uncertain significance for Retinal dystrophy. Last evaluated: 2023-10-01. Review status: criteria provided, single submitter. Criteria: Submitter's publication. Collection method: research. Allele origin: germline. Affected: yes.

Labcorp Genetics (formerly Invitae), Labcorp
Classification: Uncertain significance for Congenital sideroblastic anemia-B-cell immunodeficiency-periodic fever-developmental delay syndrome. Last evaluated: 2021-09-24. Review status: criteria provided, single submitter. Criteria: Invitae Variant Classification Sherloc (09022015). Collection method: clinical testing. Allele origin: germline.
Comment: This sequence change replaces tyrosine with cysteine at codon 259 of the TRNT1 protein (p.Tyr259Cys). The tyrosine residue is moderately conserved and there is a large physicochemical difference between tyrosine and cysteine. This variant is present in population databases (rs774860021, ExAC 0.002%). This variant has not been reported in the literature in individuals with TRNT1-related conditions. Algorithms developed to predict the effect of missense changes on protein structure and function are either unavailable or do not agree on the potential impact of this missense change (SIFT: "Tolerated"; PolyPhen-2: "Probably Damaging"; Align-GVGD: "Class C15"). In summary, the available evidence is currently insufficient to determine the role of this variant in disease. Therefore, it has been classified as a Variant of Uncertain Significance.

NM_182916.3(TRNT1):c.776A>G (p.Tyr259Cys)

Gene: TRNT1 (tRNA nucleotidyl transferase 1; plus strand). Cytogenetic location: 3p26.2.
Variant type: single nucleotide variant.
Coding change: c.776A>G on transcript NM_182916.3 (MANE Select); coding-DNA position 776, A replaced by G.
Protein change: p.Tyr259Cys; replaces tyrosine 259 with cysteine.
Molecular consequence: missense variant. On other transcripts: non-coding transcript variant (6), intron variant (1).
Genome position (GRCh38, 1-based): chr3:3,146,597, A>G. VCF-style: chr3-3146597-A-G. GRCh37 (hg19) VCF-style: chr3-3188281-A-G.
Other names: c.776A>G, p.Tyr259Cys (NM_001367321.1, NM_001367322.1, NM_001367323.1); c.742+34A>G (NM_001302946.2); short protein forms Y259C.
Identifiers: ClinVar variation 2201563 (VCV002201563.3), dbSNP rs774860021, ClinGen allele CA2228775.